The following is an entry in ClinVar:

NM_000493.4(COL10A1):c.*1106G>A

Genes: COL10A1 (collagen type X alpha 1 chain; minus strand), NT5DC1 (5'-nucleotidase domain containing 1; plus strand). Cytogenetic location: 6q22.1.
Variant type: single nucleotide variant.
Coding change: c.*1106G>A on transcript NM_000493.4 (MANE Select); 1106 bases downstream of the stop codon, G replaced by A.
Molecular consequence: 3 prime UTR variant. On other transcripts: intron variant (1).
Genome position (GRCh38, 1-based): chr6:116,118,967, C>T on the plus strand (G>A on the coding strand, the complement: COL10A1 is on the minus strand). VCF-style: chr6-116118967-C-T. GRCh37 (hg19) VCF-style: chr6-116440130-C-T.
Other names: c.*1106G>A (NM_001424106.1, NM_001424107.1); c.529+1022C>T (NM_152729.3).
Identifiers: ClinVar variation 355067 (VCV000355067.5), dbSNP rs141732719, ClinGen allele CA10625649.

ClinVar aggregate classification (germline): Benign (1 of 4 stars; one submission).

Conditions:
Metaphyseal chondrodysplasia, Schmid type (MCDS). Also called: SPONDYLOMETAPHYSEAL DYSPLASIA, JAPANESE TYPE. Identifiers: Orphanet 174, MedGen C0265289, MONDO:0007983, OMIM 156500.

Allele frequency attached by ClinVar (database versions not stated): 1000 Genomes Project 30x 0.00109; 1000 Genomes Project 0.00120; TOPMed 0.00136; gnomAD 0.00165 and 0.00166.

Submission:

Illumina Laboratory Services, Illumina
Classification: Benign for Metaphyseal chondrodysplasia, Schmid type. Last evaluated: 2018-01-13. Review status: criteria provided, single submitter. Criteria: ICSL Variant Classification Criteria 13 December 2019. Collection method: clinical testing. Allele origin: germline.
Comment: This variant was observed in the ICSL laboratory as part of a predisposition screen in an ostensibly healthy population. It had not been previously curated by ICSL or reported in the Human Gene Mutation Database (HGMD: prior to June 1st, 2018), and was therefore a candidate for classification through an automated scoring system. Utilizing variant allele frequency, disease prevalence and penetrance estimates, and inheritance mode, an automated score was calculated to assess if this variant is too frequent to cause the disease. Based on the score and internal cut-off values, a variant classified as benign is not then subjected to further curation. The score for this variant resulted in a classification of benign for this disease.